The following is an entry in ClinVar:

ClinVar aggregate classification (germline): Pathogenic. Review status: criteria provided, single submitter (1 of 4 stars). 2 submissions from 2 submitters: Pathogenic (1). 1 of the submissions does not count toward it. Last evaluated 2022-07-27.

Conditions:
Familial pulmonary capillary hemangiomatosis (PVOD2). Also called: Pulmonary venoocclusive disease 2, autosomal recessive; Pulmonary venoocclusive disease 2. Identifiers: Orphanet 199241, MedGen C0340848, MONDO:0009329, OMIM 234810.

Submissions (2):

Labcorp Genetics (formerly Invitae), Labcorp
Classification: Pathogenic. Last evaluated: 2022-07-27. Review status: criteria provided, single submitter. Criteria: Invitae Variant Classification Sherloc (09022015). Collection method: clinical testing. Allele origin: germline.
Comment: For these reasons, this variant has been classified as Pathogenic. ClinVar contains an entry for this variant (Variation ID: 812871). This premature translational stop signal has been observed in individual(s) with autosomal recessive pulmonary hypertension (PMID: 28972005, 32581362). This variant is not present in population databases (gnomAD no frequency). This sequence change creates a premature translational stop signal (p.Glu1468Argfs*14) in the EIF2AK4 gene. It is expected to result in an absent or disrupted protein product. Loss-of-function variants in EIF2AK4 are known to be pathogenic (PMID: 12215525, 24135949, 24292273, 24310610, 28972005, 29743074).

NIHR Bioresource Rare Diseases, University of Cambridge
Classification: Likely pathogenic for Familial pulmonary capillary hemangiomatosis. Review status: no assertion criteria provided. Collection method: research. Allele origin: unknown. Affected: yes. Observed: 1 variant allele. Not counted in ClinVar's aggregate classification.

Literature cited by the submitters: PubMed 28972005 (cited by Labcorp Genetics (formerly Invitae), Labcorp); PubMed 32581362 (cited by Labcorp Genetics (formerly Invitae), Labcorp and NIHR Bioresource Rare Diseases, University of Cambridge); PubMed 12215525 (cited by Labcorp Genetics (formerly Invitae), Labcorp); PubMed 24135949 (cited by Labcorp Genetics (formerly Invitae), Labcorp); PubMed 24292273 (cited by Labcorp Genetics (formerly Invitae), Labcorp); PubMed 24310610 (cited by Labcorp Genetics (formerly Invitae), Labcorp); PubMed 29743074 (cited by Labcorp Genetics (formerly Invitae), Labcorp).

NM_001013703.4(EIF2AK4):c.4400dup (p.Glu1468fs)

Gene: EIF2AK4 (eukaryotic translation initiation factor 2 alpha kinase 4; plus strand). Cytogenetic location: 15q15.1.
Variant type: Duplication.
Coding change: c.4400dup on transcript NM_001013703.4 (MANE Select); coding-DNA position 4400, one base duplicated (T; older notation c.4400dupT).
Protein change: p.Glu1468fs; shifts the reading frame from glutamic acid 1468.
Molecular consequence: frameshift variant.
Genome position (GRCh38, 1-based): chr15:40,025,987, T duplicated; the last of 3 consecutive T bases (chr15:40,025,985-40,025,987); duplicating any one gives the same sequence. VCF-style (leftmost placement, unchanged base first): chr15-40025984-C-CT. GRCh37 (hg19) VCF-style: chr15-40318185-C-CT.
Other names: short protein forms E1468fs.
Identifiers: ClinVar variation 812871 (VCV000812871.6), dbSNP rs1595437286, ClinGen allele CA915946541.
Genomic context (GRCh38, chr15:40,025,984, plus strand): 5'-GTCTTCTGGGTTCAGAAACCTCCAAATGATAGATCCGTTTCATTCTTTTTAAGGTTAAGT[C>CT]TTTCGAGAAGGAAAGGCAGACAGAGAAGCGTGTGCTGGAGACTGAACTTGTGGACCATGT-3'